The following is an entry in ClinVar:

ClinVar aggregate classification (germline): Likely benign (1 of 4 stars; one submission).

Conditions:
NCOA1-related disorder. Also called: NCOA1-related condition.

gnomAD v4.1: 10 of 1,614,230 alleles (0.00062%); highest among the groups gnomAD compares: Non-Finnish European, 0.00085%; no homozygotes.

Submission:

PreventionGenetics, part of Exact Sciences
Classification: Likely benign for NCOA1-related condition. Last evaluated: 2026-08-19. Review status: criteria provided, single submitter. Criteria: ACMG Guidelines, 2015. Collection method: clinical testing. Allele origin: germline.
Comment: This variant is classified as likely benign based on ACMG/AMP sequence variant interpretation guidelines (Richards et al. 2015 PMID: 25741868, with internal and published modifications).

NM_003743.5(NCOA1):c.2154T>G (p.Ser718=)

Gene: NCOA1 (nuclear receptor coactivator 1; plus strand). Cytogenetic location: 2p23.3.
Variant type: single nucleotide variant.
Coding change: c.2154T>G on transcript NM_003743.5 (MANE Select); coding-DNA position 2154, T replaced by G.
Protein change: p.Ser718=; no amino-acid change (serine 718 retained).
Molecular consequence: synonymous variant.
Genome position (GRCh38, 1-based): chr2:24,707,624, T>G. VCF-style: chr2-24707624-T-G. GRCh37 (hg19) VCF-style: chr2-24930493-T-G.
Other names: c.2154T>G, p.Ser718= (NM_001362950.1, NM_001362952.1, NM_001362954.1 and 3 more transcripts).
Identifiers: ClinVar variation 4994661 (VCV004994661.1).